The following is an entry in ClinVar:

NM_001170629.2(CHD8):c.742C>G (p.Leu248Val)

Gene: CHD8 (chromodomain helicase DNA binding protein 8; minus strand). Cytogenetic location: 14q11.2.
Variant type: single nucleotide variant.
Coding change: c.742C>G on transcript NM_001170629.2 (MANE Select); coding-DNA position 742, C replaced by G.
Protein change: p.Leu248Val; replaces leucine 248 with valine.
Molecular consequence: missense variant. On other transcripts: intron variant (1).
Genome position (GRCh38, 1-based): chr14:21,430,902, G>C on the plus strand (C>G on the coding strand, the complement: CHD8 is on the minus strand). VCF-style: chr14-21430902-G-C. GRCh37 (hg19) VCF-style: chr14-21899061-G-C.
Other names: c.6+909C>G (NM_020920.4); short protein forms L248V.
Identifiers: ClinVar variation 3239523 (VCV003239523.19), dbSNP rs773853779.
Genomic context (GRCh38, chr14:21,430,902, plus strand): 5'-GGGGCCCTGTGGCCCCAGGGTTTCCAGCAGGAGCTGAACCCTTAACTGGCTGGAGGACCA[G>C]CTGCTTTACTGGTCGGCTGGGCTGGACAATGCGCTGAACAGCAGCCTGGTTCCCAGGGAC-3'
Protein context (NP_001164100.1, residues 238-258): IVQPSRPVKQ[Leu248Val]VLQPVKGSAP

ClinVar aggregate classification (germline): Uncertain significance (1 of 4 stars; one submission).

Submission:

CeGaT Center for Human Genetics Tuebingen
Classification: Uncertain significance. Last evaluated: 2024-05-01. Review status: criteria provided, single submitter. Criteria: CeGaT Center For Human Genetics Tuebingen Variant Classification Criteria Version 2. Collection method: clinical testing. Allele origin: germline. Affected: yes. Observed: 1 variant allele.
Comment: CHD8: PM2